The following is an entry in ClinVar:

NM_000077.5(CDKN2A):c.160A>C (p.Met54Leu)

Gene: CDKN2A (cyclin dependent kinase inhibitor 2A; minus strand). Cytogenetic location: 9p21.3.
Variant type: single nucleotide variant.
Coding change: c.160A>C on transcript NM_000077.5; coding-DNA position 160, A replaced by C.
Protein change: p.Met54Leu; replaces methionine 54 with leucine.
Molecular consequence: missense variant (on NM_000077.6). On other transcripts: 3 prime UTR variant (1).
Genome position (GRCh38, 1-based): chr9:21,971,199, T>G on the plus strand (A>C on the coding strand, the complement: CDKN2A is on the minus strand). VCF-style: chr9-21971199-T-G. GRCh37 (hg19) VCF-style: chr9-21971198-T-G.
Other names: c.160A>C, p.Met54Leu (NM_000077.6, NM_001195132.2); c.7A>C, p.Met3Leu (NM_001363763.2); c.203A>C, p.Asp68Ala (NM_058195.4); c.*83A>C (NM_058197.5); short protein forms M54L, D68A, M3L.
Identifiers: ClinVar variation 463486 (VCV000463486.35), dbSNP rs201314211, ClinGen allele CA5012217.

ClinVar aggregate classification (germline): Conflicting classifications of pathogenicity. Review status: criteria provided, conflicting classifications (1 of 4 stars). 9 submissions from 9 submitters: Uncertain significance (8); Likely benign (1). Last evaluated 2026-03-13.

Conditions:
CDKN2A-related disorder. Also called: CDKN2A-related condition.
Familial melanoma. Also called: Hereditary melanoma; Hereditary cutaneous melanoma. Identifiers: Orphanet 618, MedGen C1512419, MONDO:0018961.
Hereditary cancer-predisposing syndrome. Also called: Tumor predisposition; Hereditary neoplastic syndrome; Neoplastic Syndromes, Hereditary; Hereditary Cancer Syndrome. Identifiers: Orphanet 140162, MedGen C0027672, MeSH D009386, MONDO:0015356.
Melanoma and neural system tumor syndrome. Also called: MELANOMA-ASTROCYTOMA SYNDROME. Identifiers: Orphanet 252206, MedGen C1835042, MONDO:0007967, OMIM 155755.
Melanoma-pancreatic cancer syndrome. Identifiers: Orphanet 404560, MedGen C1838547, MONDO:0011713, OMIM 606719. Disease mechanism: loss of function.

Allele frequency attached by ClinVar (database versions not stated): gnomAD exomes below 0.00001; ExAC 0.00001; gnomAD 0.00005; TOPMed 0.00012; 1000 Genomes Project 0.00020; 1000 Genomes Project 30x 0.00031.
gnomAD v4.1: 11 of 1,597,750 alleles (0.00069%); highest among the groups gnomAD compares: Admixed American, 0.017%; no homozygotes.

Submissions (9):

PreventionGenetics, part of Exact Sciences
Classification: Uncertain significance for CDKN2A-related condition. Last evaluated: 2026-03-13. Review status: criteria provided, single submitter. Criteria: ACMG Guidelines, 2015. Collection method: clinical testing. Allele origin: germline.
Comment: The CDKN2A c.160A>C variant is predicted to result in the amino acid substitution p.Met54Leu. This variant has been reported in the literature in an individual with breast cancer (Supp. Table 3, Guindalini et al. 2022. PubMed ID: 35264596) and in an individual with chondrosarcoma (Supp. Table 4, Carvalho et al. 2023. PubMed ID: 37536918). This variant is reported in 0.0029% of alleles in individuals of Latino descent in gnomAD and has conflicting interpretations in ClinVar ranging from uncertain to likely benign (Variation ID: 463486). At this time, the clinical significance of this variant is uncertain due to the absence of conclusive functional and genetic evidence.

Labcorp Genetics (formerly Invitae), Labcorp
Classification: Uncertain significance for Familial melanoma. Last evaluated: 2026-01-07. Review status: criteria provided, single submitter. Criteria: Invitae Variant Classification Sherloc (09022015). Collection method: clinical testing. Allele origin: germline.
Comment: The CDKN2A gene encodes two different proteins, p16INK4a and p14ARF, which are translated from alternative transcripts with different open reading frames. Both transcripts have been analyzed. We report either the variant with the higher classification or default to the CDKN2A (p16INK4a) variant. This report therefore includes the details for the CDKN2A (p16INK4a) variant. This sequence change replaces methionine, which is neutral and non-polar, with leucine, which is neutral and non-polar, at codon 54 of the CDKN2A (p16INK4a) protein (p.Met54Leu). This variant is present in population databases (rs201314211, gnomAD 0.006%). This variant has not been reported in the literature in individuals affected with CDKN2A (p16INK4a)-related conditions. This variant is also known as c.203A>C (p.Asp68Ala) in the CDKN2A (p14ARF) transcript. ClinVar contains an entry for this variant (Variation ID: 463486). An algorithm developed to predict the effect of missense changes on protein structure and function (PolyPhen-2) suggests that this variant is likely to be tolerated. In summary, the available evidence is currently insufficient to determine the role of this variant in disease. Therefore, it has been classified as a Variant of Uncertain Significance.

Women's Health and Genetics/Laboratory Corporation of America, LabCorp
Classification: Uncertain significance. Last evaluated: 2025-09-29. Review status: criteria provided, single submitter. Criteria: LabCorp Variant Classification Summary - May 2015. Collection method: clinical testing. Allele origin: germline.
Comment: Variant summary: CDKN2A c.160A>C (p.Met54Leu) results in a conservative amino acid change located in the Ankyrin repeat-containing domain of the encoded protein sequence. Algorithms developed to predict the effect of missense changes on protein structure and function are either unavailable or do not agree on the potential impact of this missense change. The variant allele was found at a frequency of 4.5e-06 in 221122 control chromosomes. The available data on variant occurrences in the general population are insufficient to allow any conclusion about variant significance. c.160A>C has been observed in individuals affected with breast cancer and sarcoma, without strong evidence suggesting causality (e.g. Guindalini_2022, Carvalho_2023). These reports do not provide unequivocal conclusions about association of the variant with CDKN2A-related cancers. To our knowledge, no experimental evidence demonstrating an impact on protein function has been reported. The following publications have been ascertained in the context of this evaluation (PMID: 37536918, 35264596). ClinVar contains an entry for this variant (Variation ID: 463486). Based on the evidence outlined above, the variant was classified as uncertain significance.

GeneDx
Classification: Uncertain significance. Last evaluated: 2024-12-10. Review status: criteria provided, single submitter. Criteria: GeneDx Variant Classification Process June 2021. Collection method: clinical testing. Allele origin: germline. Affected: yes.
Comment: Not observed at significant frequency in large population cohorts (gnomAD); In silico analysis indicates that this missense variant does not alter protein structure/function; Published functional studies demonstrate a damaging effect: may impact protein folding (PMID: 12517341); This variant is associated with the following publications: (PMID: 12517341, 35264596, 35446184)

Color Diagnostics, LLC DBA Color Health
Classification: Uncertain significance for Hereditary cancer-predisposing syndrome. Last evaluated: 2024-07-30. Review status: criteria provided, single submitter. Criteria: ACMG Guidelines, 2015. Collection method: clinical testing. Allele origin: germline.
Comment: The CDKN2A locus encodes two different gene products, p16INK4a and p14ARF. This missense variant replaces methionine with leucine at codon 54 of the CDKN2A (p16INK4A) protein. Computational prediction suggests that this variant may not impact protein structure and function. To our knowledge, functional studies have not been reported for this variant. This variant has been reported in an individual affected with breast cancer (PMID: 35264596). This variant has been identified in 1/221122 chromosomes in the general population by the Genome Aggregation Database (gnomAD). The available evidence is insufficient to determine the role of this variant in disease conclusively. Therefore, this variant is classified as a Variant of Uncertain Significance.

Quest Diagnostics Nichols Institute San Juan Capistrano
Classification: Uncertain significance. Last evaluated: 2024-05-09. Review status: criteria provided, single submitter. Criteria: Quest Diagnostics criteria. Collection method: clinical testing. Allele origin: unknown.
Comment: The CDKN2A (p16 ARF) c.160A>C (p.Met54Leu) variant has been reported in an individual with breast cancer (PMID: 35264596 (2022)). The frequency of this variant in the general population, 0.00017 (8/47688 chromosomes in Latino/Admixed American subpopulation), is higher than would generally be expected for pathogenic variants in this gene. ClinVar contains an entry for this variant (URL:, Variation ID: 463486). Analysis of this p16 variant using bioinformatics tools (e.g. MutationTaster and PolyPhen-2) for the prediction of the effect of amino acid changes on protein structure and function yielded conflicting predictions that this variant is deleterious or benign. In the alternate reading frame of the CDKN2A (p14) gene, this variant is known as c.203A>C (p.Asp68Ala). This variant has not been reported in individuals affected with CDKN2A related disease in the published literature. The frequency of this variant in the general population 0.00017 (8/47688 chromosomes in Latino/Admixed American subpopulation), is higher than would generally be expected for pathogenic variants in this gene. Analysis of this p14 variant using bioinformatics tools (e.g. MutationTaster and PolyPhen-2) for the prediction of the effect of amino acid changes on protein structure and function yielded predictions that this variant is damaging. Based on the available information, we are unable to determine the clinical significance of this variant.

Baylor Genetics
Classification: Uncertain significance for Melanoma and neural system tumor syndrome. Last evaluated: 2024-03-27. Review status: criteria provided, single submitter. Criteria: ACMG Guidelines, 2015. Collection method: clinical testing. Allele origin: unknown.

Ambry Genetics
Classification: Likely benign for Hereditary cancer-predisposing syndrome. Last evaluated: 2022-08-30. Review status: criteria provided, single submitter. Criteria: Ambry Variant Classification Scheme 2023. Collection method: clinical testing. Allele origin: germline.

Mendelics
Classification: Uncertain significance for Melanoma-pancreatic cancer syndrome. Last evaluated: 2019-05-28. Review status: criteria provided, single submitter. Criteria: Mendelics Assertion Criteria 2017. Collection method: clinical testing. Allele origin: unknown.

Literature cited by the submitters: PubMed 27756164 (cited by Women's Health and Genetics/Laboratory Corporation of America, LabCorp); PubMed 27960642 (cited by Women's Health and Genetics/Laboratory Corporation of America, LabCorp); PubMed 28765326 (cited by Women's Health and Genetics/Laboratory Corporation of America, LabCorp); PubMed 9166859 (cited by Women's Health and Genetics/Laboratory Corporation of America, LabCorp); PubMed 16818274 (cited by Women's Health and Genetics/Laboratory Corporation of America, LabCorp); PubMed 18519632 (cited by Women's Health and Genetics/Laboratory Corporation of America, LabCorp); PubMed 7718873 (cited by Women's Health and Genetics/Laboratory Corporation of America, LabCorp); PubMed 35264596 (cited by 3 submitters); PubMed 37536918 (cited by Women's Health and Genetics/Laboratory Corporation of America, LabCorp); PubMed 23190892 (cited by Quest Diagnostics Nichols Institute San Juan Capistrano); PubMed 12517341 (cited by Quest Diagnostics Nichols Institute San Juan Capistrano).